The following is an entry in ClinVar:

NM_000182.5(HADHA):c.446G>T (p.Gly149Val)

Gene: HADHA (hydroxyacyl-CoA dehydrogenase trifunctional multienzyme complex subunit alpha; minus strand). Cytogenetic location: 2p23.3.
Variant type: single nucleotide variant.
Coding change: c.446G>T on transcript NM_000182.5 (MANE Select); coding-DNA position 446, G replaced by T.
Protein change: p.Gly149Val; replaces glycine 149 with valine.
Molecular consequence: missense variant.
Genome position (GRCh38, 1-based): chr2:26,234,224, C>A on the plus strand (G>T on the coding strand, the complement: HADHA is on the minus strand). VCF-style: chr2-26234224-C-A. GRCh37 (hg19) VCF-style: chr2-26457092-C-A.
Other names: short protein forms G149V.
Identifiers: ClinVar variation 4069005 (VCV004069005.2).

ClinVar aggregate classification (germline): Likely pathogenic (1 of 4 stars; one submission).

Conditions:
Long chain 3-hydroxyacyl-CoA dehydrogenase deficiency. Also called: Deficiency of long-chain 3-hydroxyacyl-coenzyme A dehydrogenase; LCHAD Deficiency. Identifiers: Orphanet 5, MedGen C3711645, MONDO:0012173, OMIM 609016.

Submission:

Natera, Inc.
Classification: Likely pathogenic for Deficiency of long-chain 3-hydroxyacyl-coenzyme A dehydrogenase. Last evaluated: 2025-02-20. Review status: criteria provided, single submitter. Criteria: Natera Variant Classification Schema (03/2026). Collection method: clinical testing. Allele origin: germline.
Comment: The c.446G>T variant in HADHA is a missense variant predicted to cause substitution of glycine to valine at amino acid 149. This variant is rare in the general population with a frequency below the threshold expected for the associated phenotype(s). This variant has been observed in one or more individuals affected with the associated recessive disease, as either homozygous or compound heterozygous with a second variant (PMID: 29124685). This variant has been observed to segregate in affected family members (PMID: 29124685). Computational prediction algorithms indicate this variant is likely to affect gene or protein function. Given the available evidence, this variant is classified as Likely Pathogenic.

Literature cited by the submitters: PubMed 29124685.